The following is an entry in ClinVar:

ClinVar aggregate classification (germline): Benign/Likely benign. Review status: criteria provided, multiple submitters, no conflicts (2 of 4 stars). 4 submissions from 4 submitters: Benign (2); Likely benign (1). 1 of the submissions does not count toward it. Last evaluated 2024-11-26.

Conditions:
CFAP44-related disorder. Also called: CFAP44-related condition.

Allele frequency attached by ClinVar (database versions not stated): 1000 Genomes Project 30x 0.00062; 1000 Genomes Project 0.00080; TOPMed 0.00153; gnomAD 0.00184; gnomAD exomes 0.00186 and 0.00262; ExAC 0.00188; ESP Exome Variant Server 0.00219.
gnomAD v4.1: 3,926 of 1,536,908 alleles (0.26%); highest among the groups gnomAD compares: Non-Finnish European, 0.28%; 8 homozygotes.

Submissions (4):

Blueprint Genetics
Classification: Likely benign. Last evaluated: 2024-11-26. Review status: criteria provided, single submitter. Criteria: ACMG Guidelines, 2015. Collection method: clinical testing. Allele origin: germline.

Labcorp Genetics (formerly Invitae), Labcorp
Classification: Benign. Last evaluated: 2019-12-31. Review status: criteria provided, single submitter. Criteria: Invitae Variant Classification Sherloc (09022015). Collection method: clinical testing. Allele origin: germline.

Breakthrough Genomics
Classification: Benign. Review status: criteria provided, single submitter. Criteria: ACMG Guidelines, 2015. Collection method: not provided. Allele origin: germline. Inheritance: Autosomal recessive inheritance. Affected: yes.

PreventionGenetics, part of Exact Sciences
Classification: Likely benign for CFAP44-related condition. Last evaluated: 2019-02-21. Review status: no assertion criteria provided. Collection method: clinical testing. Allele origin: germline. Not counted in ClinVar's aggregate classification.
Comment: This variant is classified as likely benign based on ACMG/AMP sequence variant interpretation guidelines (Richards et al. 2015 PMID: 25741868, with internal and published modifications).

NM_001164496.2(CFAP44):c.5418A>G (p.Arg1806=)

Genes: CFAP44 (cilia and flagella associated protein 44; minus strand), SPICE1-CFAP44 (SPICE1-CFAP44 readthrough (NMD candidate); minus strand). Cytogenetic location: 3q13.2.
Variant type: single nucleotide variant.
Coding change: c.5418A>G on transcript NM_001164496.2 (MANE Select); coding-DNA position 5418, A replaced by G.
Protein change: p.Arg1806=; no amino-acid change (arginine 1806 retained).
Molecular consequence: synonymous variant.
Genome position (GRCh38, 1-based): chr3:113,291,704, T>C on the plus strand (A>G on the coding strand, the complement: CFAP44 is on the minus strand). VCF-style: chr3-113291704-T-C. GRCh37 (hg19) VCF-style: chr3-113010551-T-C.
Identifiers: ClinVar variation 717618 (VCV000717618.8), dbSNP rs369806513, ClinGen allele CA2543556.